The following is an entry in ClinVar:

ClinVar aggregate classification (germline): Pathogenic (1 of 4 stars; one submission).

Conditions:
Early-infantile DEE. Also called: Early infantile epileptic encephalopathy; Ohtahara syndrome; Early infantile epileptic encephalopathy with suppression bursts. Identifiers: Orphanet 1934, MedGen C0393706, MONDO:0800491.

Submission:

Labcorp Genetics (formerly Invitae), Labcorp
Classification: Pathogenic for Early-infantile DEE. Last evaluated: 2021-12-22. Review status: criteria provided, single submitter. Criteria: Invitae Variant Classification Sherloc (09022015). Collection method: clinical testing. Allele origin: germline.
Comment: This sequence change creates a premature translational stop signal (p.Ala457Glnfs*33) in the SCN1A gene. It is expected to result in an absent or disrupted protein product. Loss-of-function variants in SCN1A are known to be pathogenic (PMID: 17347258, 18930999). This variant is not present in population databases (gnomAD no frequency). This variant has not been reported in the literature in individuals affected with SCN1A-related conditions. For these reasons, this variant has been classified as Pathogenic.

Literature cited by the submitters: PubMed 17347258; PubMed 18930999.

NM_001165963.4(SCN1A):c.1369del (p.Ala457fs)

Gene: SCN1A (sodium voltage-gated channel alpha subunit 1; minus strand). Cytogenetic location: 2q24.3.
Variant type: Deletion.
Coding change: c.1369del on transcript NM_001165963.4 (MANE Select); coding-DNA position 1369, one base deleted (G; older notation c.1369delG).
Protein change: p.Ala457fs; shifts the reading frame from alanine 457.
Molecular consequence: frameshift variant. On other transcripts: 5 prime UTR variant (1), non-coding transcript variant (1).
Genome position (GRCh38, 1-based): chr2:166,046,778, C deleted on the plus strand (G on the coding strand, the reverse complement: SCN1A is on the minus strand); the first of 2 consecutive C bases (chr2:166,046,778-166,046,779); deleting either gives the same sequence. VCF-style (leftmost placement, unchanged base first): chr2-166046777-GC-G. GRCh37 (hg19) VCF-style: chr2-166903287-GC-G.
Other names: c.1369del, p.Ala457fs (NM_001353950.2, NM_001353951.2, NM_001353952.2 and 10 more transcripts); c.-1057del (NM_001353961.2); short protein forms A457fs.
Identifiers: ClinVar variation 2053771 (VCV002053771.4), dbSNP rs2468180014, ClinGen allele CA2580064370.